The following is an entry in ClinVar:

NM_001079872.2(CUL4B):c.1739A>G (p.Tyr580Cys)

Gene: CUL4B (cullin 4B; minus strand). Cytogenetic location: Xq24.
Variant type: single nucleotide variant.
Coding change: c.1739A>G on transcript NM_001079872.2 (MANE Select); coding-DNA position 1739, A replaced by G.
Protein change: p.Tyr580Cys; replaces tyrosine 580 with cysteine.
Molecular consequence: missense variant.
Genome position (GRCh38, 1-based): chrX:120,539,270, T>C on the plus strand (A>G on the coding strand, the complement: CUL4B is on the minus strand). VCF-style: chrX-120539270-T-C. GRCh37 (hg19) VCF-style: chrX-119673125-T-C.
Other names: c.1754A>G, p.Tyr585Cys (NM_001330624.2); c.1205A>G, p.Tyr402Cys (NM_001369145.1); c.1793A>G, p.Tyr598Cys (NM_003588.4); short protein forms Y598C, Y402C, Y580C, Y585C.
Identifiers: ClinVar variation 4995709 (VCV004995709.1).

ClinVar aggregate classification (germline): Uncertain significance (1 of 4 stars; one submission).

Conditions:
CUL4B-related disorder. Also called: CUL4B-related condition.

Submission:

PreventionGenetics, part of Exact Sciences
Classification: Uncertain significance for CUL4B-related condition. Last evaluated: 2026-06-08. Review status: criteria provided, single submitter. Criteria: ACMG Guidelines, 2015. Collection method: clinical testing. Allele origin: germline.
Comment: The CUL4B c.1793A>G variant is predicted to result in the amino acid substitution p.Tyr598Cys. To our knowledge, this variant has not been reported in the literature or in a large population database (gnomAD), indicating this variant is rare. At this time, the clinical significance of this variant is uncertain due to the absence of conclusive functional and genetic evidence.